The following is an entry in ClinVar:

ClinVar aggregate classification (germline): Uncertain significance. Review status: criteria provided, multiple submitters, no conflicts (2 of 4 stars). 3 submissions from 3 submitters: Uncertain significance (3). Last evaluated 2025-12-11.

Conditions:
Inborn genetic diseases. Identifiers: MedGen C0950123, MeSH D030342.

Allele frequency attached by ClinVar (database versions not stated): gnomAD exomes 0.00007 and 0.00010; TOPMed 0.00011; ExAC 0.00007; gnomAD 0.00009.
gnomAD v4.1: 154 of 1,614,034 alleles (0.0095%); highest among the groups gnomAD compares: Non-Finnish European, 0.013%; no homozygotes.

Submissions (3):

Ambry Genetics
Classification: Uncertain significance for Inborn genetic diseases. Last evaluated: 2025-12-11. Review status: criteria provided, single submitter. Criteria: Ambry Variant Classification Scheme 2023. Collection method: clinical testing. Allele origin: germline.

Labcorp Genetics (formerly Invitae), Labcorp
Classification: Uncertain significance. Last evaluated: 2022-08-10. Review status: criteria provided, single submitter. Criteria: Invitae Variant Classification Sherloc (09022015). Collection method: clinical testing. Allele origin: germline.
Comment: This sequence change replaces valine, which is neutral and non-polar, with isoleucine, which is neutral and non-polar, at codon 291 of the EXTL3 protein (p.Val291Ile). This variant is present in population databases (rs762247666, gnomAD 0.01%). This variant has not been reported in the literature in individuals affected with EXTL3-related conditions. ClinVar contains an entry for this variant (Variation ID: 1058638). Algorithms developed to predict the effect of missense changes on protein structure and function output the following: SIFT: "Tolerated"; PolyPhen-2: "Benign"; Align-GVGD: "Class C0". The isoleucine amino acid residue is found in multiple mammalian species, which suggests that this missense change does not adversely affect protein function. In summary, the available evidence is currently insufficient to determine the role of this variant in disease. Therefore, it has been classified as a Variant of Uncertain Significance.

Institute for Clinical Genetics, University Hospital TU Dresden, University Hospital TU Dresden
Classification: Uncertain significance. Last evaluated: 2021-11-03. Review status: criteria provided, single submitter. Criteria: ACMG Guidelines, 2015. Collection method: clinical testing. Allele origin: germline.

NM_001440.4(EXTL3):c.871G>A (p.Val291Ile)

Gene: EXTL3 (exostosin like glycosyltransferase 3; plus strand). Cytogenetic location: 8p21.1.
Variant type: single nucleotide variant.
Coding change: c.871G>A on transcript NM_001440.4 (MANE Select); coding-DNA position 871, G replaced by A.
Protein change: p.Val291Ile; replaces valine 291 with isoleucine.
Molecular consequence: missense variant.
Genome position (GRCh38, 1-based): chr8:28,716,930, G>A. VCF-style: chr8-28716930-G-A. GRCh37 (hg19) VCF-style: chr8-28574447-G-A.
Other names: c.871G>A (NM_001440.2); short protein forms V291I.
Identifiers: ClinVar variation 1058638 (VCV001058638.7), dbSNP rs762247666, ClinGen allele CA4696082.